The following is an entry in ClinVar:

ClinVar aggregate classification (germline): Uncertain significance (1 of 4 stars; one submission).

Conditions:
Cardiovascular phenotype. Identifiers: MedGen CN230736.

Allele frequency attached by ClinVar (database versions not stated): gnomAD exomes below 0.00001.
gnomAD v4.1: 1 of 1,614,128 alleles (0.000062%); highest among the groups gnomAD compares: Admixed American, 0.0017%; no homozygotes.

Submission:

Ambry Genetics
Classification: Uncertain significance for Cardiovascular phenotype. Last evaluated: 2021-09-15. Review status: criteria provided, single submitter. Criteria: Ambry Variant Classification Scheme 2023. Collection method: clinical testing. Allele origin: germline.
Comment: The p.I925M variant (also known as c.2775A>G), located in coding exon 19 of the VCL gene, results from an A to G substitution at nucleotide position 2775. The isoleucine at codon 925 is replaced by methionine, an amino acid with highly similar properties. This amino acid position is conserved. In addition, this alteration is predicted to be tolerated by in silico analysis. Since supporting evidence is limited at this time, the clinical significance of this alteration remains unclear.

NM_014000.3(VCL):c.2775A>G (p.Ile925Met)

Gene: VCL (vinculin; plus strand). Cytogenetic location: 10q22.2.
Variant type: single nucleotide variant.
Coding change: c.2775A>G on transcript NM_014000.3 (MANE Select); coding-DNA position 2775, A replaced by G.
Protein change: p.Ile925Met; replaces isoleucine 925 with methionine.
Molecular consequence: missense variant. On other transcripts: intron variant (1).
Genome position (GRCh38, 1-based): chr10:74,111,938, A>G. VCF-style: chr10-74111938-A-G. GRCh37 (hg19) VCF-style: chr10-75871696-A-G.
Other names: c.2746-2246A>G (NM_003373.4); short protein forms I925M.
Identifiers: ClinVar variation 1795845 (VCV001795845.2), dbSNP rs1437591111, ClinGen allele CA377264576.